The following is an entry in ClinVar:

NM_174934.4(SCN4B):c.248C>T (p.Thr83Ile)

Genes: SCN4B (sodium voltage-gated channel beta subunit 4; minus strand), LOC126861356 (BRD4-independent group 4 enhancer GRCh37_chr11:118014519-118015718; plus strand). Cytogenetic location: 11q23.3.
Variant type: single nucleotide variant.
Coding change: c.248C>T on transcript NM_174934.4 (MANE Select); coding-DNA position 248, C replaced by T.
Protein change: p.Thr83Ile; replaces threonine 83 with isoleucine.
Molecular consequence: missense variant. On other transcripts: 5 prime UTR variant (1), non-coding transcript variant (1), intron variant (1).
Genome position (GRCh38, 1-based): chr11:118,144,048, G>A on the plus strand (C>T on the coding strand, the complement: SCN4B is on the minus strand). VCF-style: chr11-118144048-G-A. GRCh37 (hg19) VCF-style: chr11-118014763-G-A.
Other names: c.-83C>T (NM_001142349.2); c.62-2712C>T (NM_001142348.2); short protein forms T83I.
Identifiers: ClinVar variation 3950956 (VCV003950956.1).

ClinVar aggregate classification (germline): Uncertain significance (1 of 4 stars; one submission).

Conditions:
Cardiovascular phenotype. Identifiers: MedGen CN230736.

Submission:

Ambry Genetics
Classification: Uncertain significance for Cardiovascular phenotype. Last evaluated: 2025-05-30. Review status: criteria provided, single submitter. Criteria: Ambry Variant Classification Scheme 2023. Collection method: clinical testing. Allele origin: germline.
Comment: The p.T83I variant (also known as c.248C>T), located in coding exon 3 of the SCN4B gene, results from a C to T substitution at nucleotide position 248. The threonine at codon 83 is replaced by isoleucine, an amino acid with similar properties. This amino acid position is conserved. In addition, this alteration is predicted to be tolerated by in silico analysis. Based on the available evidence, the clinical significance of this variant remains unclear.